The following is an entry in ClinVar:

ClinVar aggregate classification (germline): Uncertain significance (1 of 4 stars; one submission).

Conditions:
Very long chain acyl-CoA dehydrogenase deficiency (ACADVLD). Also called: VLCAD Deficiency; Very Long-Chain Acyl-Coenzyme A Dehydrogenase Deficiency. Identifiers: Orphanet 26793, MedGen C3887523, MONDO:0008723, OMIM 201475.

Allele frequency attached by ClinVar (database versions not stated): gnomAD 0.00001; TOPMed 0.00001.
gnomAD v4.1: 1 of 1,603,938 alleles (0.000062%); highest among the groups gnomAD compares: African/African-American, 0.0013%; no homozygotes.

Submission:

Labcorp Genetics (formerly Invitae), Labcorp
Classification: Uncertain significance for Very long chain acyl-CoA dehydrogenase deficiency. Last evaluated: 2024-10-18. Review status: criteria provided, single submitter. Criteria: Invitae Variant Classification Sherloc (09022015). Collection method: clinical testing. Allele origin: germline.
Comment: This sequence change replaces methionine, which is neutral and non-polar, with threonine, which is neutral and polar, at codon 6 of the ACADVL protein (p.Met6Thr). This variant is not present in population databases (gnomAD no frequency). This variant has not been reported in the literature in individuals affected with ACADVL-related conditions. ClinVar contains an entry for this variant (Variation ID: 1986204). An algorithm developed to predict the effect of missense changes on protein structure and function outputs the following: PolyPhen-2: "Not Available". The threonine amino acid residue is found in multiple mammalian species, which suggests that this missense change does not adversely affect protein function. In summary, the available evidence is currently insufficient to determine the role of this variant in disease. Therefore, it has been classified as a Variant of Uncertain Significance.

NM_000018.4(ACADVL):c.17T>C (p.Met6Thr)

Genes: ACADVL (acyl-CoA dehydrogenase very long chain; plus strand), DLG4 (discs large MAGUK scaffold protein 4; minus strand). Cytogenetic location: 17p13.1.
Variant type: single nucleotide variant.
Coding change: c.17T>C on transcript NM_000018.4 (MANE Select); coding-DNA position 17, T replaced by C.
Protein change: p.Met6Thr; replaces methionine 6 with threonine.
Molecular consequence: missense variant. On other transcripts: 5 prime UTR variant (2), non-coding transcript variant (1), intron variant (1).
Genome position (GRCh38, 1-based): chr17:7,220,001, T>C. VCF-style: chr17-7220001-T-C. GRCh37 (hg19) VCF-style: chr17-7123320-T-C.
Other names: c.-1152A>G (NM_001321074.1); c.17T>C, p.Met6Thr (NM_001033859.3); c.-287T>C (NM_001270448.2); c.132-121T>C (NM_001270447.2); short protein forms M6T.
Identifiers: ClinVar variation 1986204 (VCV001986204.2), dbSNP rs1165009307, ClinGen allele CA397721922.